The following is an entry in ClinVar:

ClinVar aggregate classification (germline): Uncertain significance (1 of 4 stars; one submission).

Submission:

GeneDx
Classification: Uncertain significance. Last evaluated: 2025-06-18. Review status: criteria provided, single submitter. Criteria: GeneDx Variant Classification Process June 2021. Collection method: clinical testing. Allele origin: germline. Affected: yes.
Comment: Not observed at significant frequency in large population cohorts (gnomAD); In silico analysis suggests that this missense variant does not alter protein structure/function; Has not been previously published as pathogenic or benign to our knowledge

NM_002224.4(ITPR3):c.4079G>A (p.Ser1360Asn)

Gene: ITPR3 (inositol 1,4,5-trisphosphate receptor type 3; plus strand). Cytogenetic location: 6p21.31.
Variant type: single nucleotide variant.
Coding change: c.4079G>A on transcript NM_002224.4 (MANE Select); coding-DNA position 4079, G replaced by A.
Protein change: p.Ser1360Asn; replaces serine 1360 with asparagine.
Molecular consequence: missense variant.
Genome position (GRCh38, 1-based): chr6:33,679,988, G>A. VCF-style: chr6-33679988-G-A. GRCh37 (hg19) VCF-style: chr6-33647765-G-A.
Other names: short protein forms S1360N.
Identifiers: ClinVar variation 4538775 (VCV004538775.1).
Genomic context (GRCh38, chr6:33,679,988, plus strand): 5'-CATCGCTGGCCCACCTGCTGGACATGATGAAGGCCGCCCGCGACGGCGTGGAGGACCACA[G>A]CCCCCTCATGTACCACATTTCCCTGGTGGACCTGCTGGCCGCCTGTGCCGAGGGCAAAAA-3'
Protein context (NP_002215.2, residues 1350-1370): KAARDGVEDH[Ser1360Asn]PLMYHISLVD